The following is an entry in ClinVar:

ClinVar aggregate classification (germline): Uncertain significance (1 of 4 stars; one submission).

Conditions:
Glycogen storage disease, type V (GSD5). Also called: McArdle type glycogen storage disease; MCARDLE DISEASE; MUSCLE GLYCOGEN PHOSPHORYLASE DEFICIENCY; MYOPHOSPHORYLASE DEFICIENCY; PYGM DEFICIENCY. Identifiers: Orphanet 368, MedGen C0017924, MONDO:0009293, OMIM 232600.

Submission:

Labcorp Genetics (formerly Invitae), Labcorp
Classification: Uncertain significance for Glycogen storage disease, type V. Last evaluated: 2022-03-11. Review status: criteria provided, single submitter. Criteria: Invitae Variant Classification Sherloc (09022015). Collection method: clinical testing. Allele origin: germline.
Comment: This sequence change replaces asparagine, which is neutral and polar, with isoleucine, which is neutral and non-polar, at codon 708 of the PYGM protein (p.Asn708Ile). This variant is not present in population databases (gnomAD no frequency). This missense change has been observed in individual(s) with McArdle disease (PMID: 32735634). Algorithms developed to predict the effect of missense changes on protein structure and function are either unavailable or do not agree on the potential impact of this missense change (SIFT: "Not Available"; PolyPhen-2: "Probably Damaging"; Align-GVGD: "Not Available"). In summary, the available evidence is currently insufficient to determine the role of this variant in disease. Therefore, it has been classified as a Variant of Uncertain Significance.

Literature cited by the submitters: PubMed 32735634.

NM_005609.4(PYGM):c.2123A>T (p.Asn708Ile)

Gene: PYGM (glycogen phosphorylase, muscle associated; minus strand). Cytogenetic location: 11q13.1.
Variant type: single nucleotide variant.
Coding change: c.2123A>T on transcript NM_005609.4 (MANE Select); coding-DNA position 2123, A replaced by T.
Protein change: p.Asn708Ile; replaces asparagine 708 with isoleucine.
Molecular consequence: missense variant.
Genome position (GRCh38, 1-based): chr11:64,750,430, T>A on the plus strand (A>T on the coding strand, the complement: PYGM is on the minus strand). VCF-style: chr11-64750430-T-A. GRCh37 (hg19) VCF-style: chr11-64517902-T-A.
Other names: c.1859A>T, p.Asn620Ile (NM_001164716.1); short protein forms N620I, N708I.
Identifiers: ClinVar variation 1917909 (VCV001917909.2), dbSNP rs2496648065, ClinGen allele CA381167627.